The following is an entry in ClinVar:

ClinVar aggregate classification (germline): Uncertain significance. Review status: criteria provided, multiple submitters, no conflicts (2 of 4 stars). 2 submissions from 2 submitters: Uncertain significance (2). Last evaluated 2024-12-02.

Conditions:
Koolen-de Vries syndrome (KDVS). Identifiers: Orphanet 96169, MedGen C1864871, MONDO:0012496, OMIM 610443.
Inborn genetic diseases. Identifiers: MedGen C0950123, MeSH D030342.

Allele frequency attached by ClinVar (database versions not stated): gnomAD exomes below 0.00001 and 0.00002; gnomAD 0.00001.
gnomAD v4.1: 33 of 1,589,778 alleles (0.0021%); highest among the groups gnomAD compares: Non-Finnish European, 0.0026%; no homozygotes.

Submissions (2):

Ambry Genetics
Classification: Uncertain significance for Inborn genetic diseases. Last evaluated: 2024-12-02. Review status: criteria provided, single submitter. Criteria: Ambry Variant Classification Scheme 2023. Collection method: clinical testing. Allele origin: germline.

Labcorp Genetics (formerly Invitae), Labcorp
Classification: Uncertain significance for Koolen-de Vries syndrome. Last evaluated: 2017-12-24. Review status: criteria provided, single submitter. Criteria: Invitae Variant Classification Sherloc (09022015). Collection method: clinical testing. Allele origin: germline.
Comment: In summary, the available evidence is currently insufficient to determine the role of this variant in disease. Therefore, it has been classified as a Variant of Uncertain Significance. Algorithms developed to predict the effect of missense changes on protein structure and function do not agree on the potential impact of this missense change (SIFT: "Deleterious"; PolyPhen-2: "Benign"; Align-GVGD: "Class C15"). This variant has not been reported in the literature in individuals with KANSL1-related disease. This variant is not present in population databases (ExAC no frequency). This sequence change replaces threonine with asparagine at codon 184 of the KANSL1 protein (p.Thr184Asn). The threonine residue is highly conserved and there is a small physicochemical difference between threonine and asparagine.

NM_015443.4(KANSL1):c.551C>A (p.Thr184Asn)

Gene: KANSL1 (KAT8 regulatory NSL complex subunit 1). Cytogenetic location: 17q21.31.
Variant type: single nucleotide variant.
Coding change: c.551C>A on transcript NM_015443.4 (MANE Select); coding-DNA position 551, C replaced by A.
Protein change: p.Thr184Asn; replaces threonine 184 with asparagine.
Molecular consequence: missense variant.
Genome position (GRCh38, 1-based): chr17:46,171,593, G>T on the plus strand (C>A on the coding strand, the complement: KANSL1 is on the minus strand). VCF-style: chr17-46171593-G-T. GRCh37 (hg19) VCF-style: chr17-44248959-G-T.
Other names: c.551C>A, p.Thr184Asn (NM_001193465.2, NM_001193466.2, NM_001379198.1); short protein forms T184N.
Identifiers: ClinVar variation 536297 (VCV000536297.9), dbSNP rs1366986871, ClinGen allele CA399981621.